The following is an entry in ClinVar:

NM_001367868.2(PLIN4):c.3328G>A (p.Ala1110Thr)

Gene: PLIN4 (perilipin 4; minus strand). Cytogenetic location: 19p13.3.
Variant type: single nucleotide variant.
Coding change: c.3328G>A on transcript NM_001367868.2 (MANE Select); coding-DNA position 3328, G replaced by A.
Protein change: p.Ala1110Thr; replaces alanine 1110 with threonine.
Molecular consequence: missense variant.
Genome position (GRCh38, 1-based): chr19:4,510,632, C>T on the plus strand (G>A on the coding strand, the complement: PLIN4 is on the minus strand). VCF-style: chr19-4510632-C-T. GRCh37 (hg19) VCF-style: chr19-4510644-C-T.
Other names: c.3331G>A, p.Ala1111Thr (NM_001393888.1, NM_001393889.1); c.3328G>A, p.Ala1110Thr (NM_001393890.1, NM_001393891.1); short protein forms A1110T, A1111T.
Identifiers: ClinVar variation 4280835 (VCV004280835.7).

ClinVar aggregate classification (germline): Benign (1 of 4 stars; one submission).

gnomAD v4.1: 1,418 of 1,505,684 alleles (0.094%); highest among the groups gnomAD compares: Non-Finnish European, 0.12%; 2 homozygotes.

Submission:

CeGaT Center for Human Genetics Tuebingen
Classification: Benign. Last evaluated: 2025-09-01. Review status: criteria provided, single submitter. Criteria: CeGaT Center For Human Genetics Tuebingen Variant Classification Criteria Version 2. Collection method: clinical testing. Allele origin: germline. Affected: yes. Observed: 1 variant allele.
Comment: PLIN4: BP4, BS1, BS2